The following is an entry in ClinVar:

NM_020937.4(FANCM):c.6075T>A (p.Tyr2025Ter)

Gene: FANCM (FA complementation group M; plus strand). Cytogenetic location: 14q21.2.
Variant type: single nucleotide variant.
Coding change: c.6075T>A on transcript NM_020937.4 (MANE Select); coding-DNA position 6075, T replaced by A.
Protein change: p.Tyr2025Ter; replaces tyrosine 2025 with a stop codon.
Molecular consequence: nonsense.
Genome position (GRCh38, 1-based): chr14:45,199,936, T>A. VCF-style: chr14-45199936-T-A. GRCh37 (hg19) VCF-style: chr14-45669139-T-A.
Other names: c.5997T>A, p.Tyr1999Ter (NM_001308133.2); short protein forms Y2025*, Y1999*.
Identifiers: ClinVar variation 2030563 (VCV002030563.4), dbSNP rs180764458, ClinGen allele CA389588274.

ClinVar aggregate classification (germline): Uncertain significance (1 of 4 stars; one submission).

Conditions:
Fanconi anemia (FA). Also called: Fanconi's anemia. Identifiers: Orphanet 84, MedGen C0015625, MeSH D005199, MONDO:0019391.

Submission:

Labcorp Genetics (formerly Invitae), Labcorp
Classification: Uncertain significance for Fanconi anemia. Last evaluated: 2023-07-17. Review status: criteria provided, single submitter. Criteria: Invitae Variant Classification Sherloc (09022015). Collection method: clinical testing. Allele origin: germline.
Comment: This sequence change creates a premature translational stop signal (p.Tyr2025*) in the FANCM gene. While this is not anticipated to result in nonsense mediated decay, it is expected to disrupt the last 24 amino acid(s) of the FANCM protein. This variant is not present in population databases (gnomAD no frequency). This variant has not been reported in the literature in individuals affected with FANCM-related conditions. ClinVar contains an entry for this variant (Variation ID: 2030563). Experimental studies and prediction algorithms are not available or were not evaluated, and the functional significance of this variant is currently unknown. In summary, the available evidence is currently insufficient to determine the role of this variant in disease. Therefore, it has been classified as a Variant of Uncertain Significance.